The following is an entry in ClinVar:

NM_000051.4(ATM):c.4586A>G (p.Tyr1529Cys)

Gene: ATM (ATM serine/threonine kinase; plus strand). Cytogenetic location: 11q22.3.
Variant type: single nucleotide variant.
Coding change: c.4586A>G on transcript NM_000051.4 (MANE Select); coding-DNA position 4586, A replaced by G.
Protein change: p.Tyr1529Cys; replaces tyrosine 1529 with cysteine.
Molecular consequence: missense variant.
Genome position (GRCh38, 1-based): chr11:108,292,768, A>G. VCF-style: chr11-108292768-A-G. GRCh37 (hg19) VCF-style: chr11-108163495-A-G.
Other names: c.4586A>G, p.Tyr1529Cys (NM_001351834.2); short protein forms Y1529C.
Identifiers: ClinVar variation 568844 (VCV000568844.10), dbSNP rs1365089723, ClinGen allele CA382533963.

ClinVar aggregate classification (germline): Uncertain significance. Review status: criteria provided, multiple submitters, no conflicts (2 of 4 stars). 3 submissions from 3 submitters: Uncertain significance (3). Last evaluated 2024-03-11.

Conditions:
Familial cancer of breast. Also called: BREAST CANCER, FAMILIAL; hereditary breast carcinoma; Hereditary breast cancer. Identifiers: Orphanet 227535, MedGen C0346153, MONDO:0016419, OMIM 114480. Disease mechanism: loss of function.
Ataxia-telangiectasia syndrome (AT). Also called: AT, COMPLEMENTATION GROUP C; Cerebello-oculocutaneous telangiectasia; Immunodeficiency with ataxia telangiectasia; Ataxia-telangiectasia, complementation group D; ATAXIA-TELANGIECTASIA, FRESNO VARIANT; Ataxia-telangiectasia, complementation group E. Identifiers: Orphanet 100, MedGen C0004135, MONDO:0008840, OMIM 208900.
Hereditary cancer-predisposing syndrome. Also called: Hereditary neoplastic syndrome; Neoplastic Syndromes, Hereditary; Hereditary Cancer Syndrome; Tumor predisposition. Identifiers: Orphanet 140162, MedGen C0027672, MeSH D009386, MONDO:0015356.

Submissions (3):

Ambry Genetics
Classification: Uncertain significance for Hereditary cancer-predisposing syndrome. Last evaluated: 2024-03-11. Review status: criteria provided, single submitter. Criteria: Ambry Variant Classification Scheme 2023. Collection method: clinical testing. Allele origin: germline.

Baylor Genetics
Classification: Uncertain significance for Familial cancer of breast. Last evaluated: 2023-05-12. Review status: criteria provided, single submitter. Criteria: ACMG Guidelines, 2015. Collection method: clinical testing. Allele origin: unknown.

Labcorp Genetics (formerly Invitae), Labcorp
Classification: Uncertain significance for Ataxia-telangiectasia syndrome. Last evaluated: 2022-04-06. Review status: criteria provided, single submitter. Criteria: Invitae Variant Classification Sherloc (09022015). Collection method: clinical testing. Allele origin: germline.
Comment: Advanced modeling of protein sequence and biophysical properties (such as structural, functional, and spatial information, amino acid conservation, physicochemical variation, residue mobility, and thermodynamic stability) performed at Invitae indicates that this missense variant is not expected to disrupt ATM protein function. In summary, the available evidence is currently insufficient to determine the role of this variant in disease. Therefore, it has been classified as a Variant of Uncertain Significance. Algorithms developed to predict the effect of sequence changes on RNA splicing suggest that this variant may create or strengthen a splice site. ClinVar contains an entry for this variant (Variation ID: 568844). This variant has not been reported in the literature in individuals affected with ATM-related conditions. This variant is not present in population databases (gnomAD no frequency). This sequence change replaces tyrosine, which is neutral and polar, with cysteine, which is neutral and slightly polar, at codon 1529 of the ATM protein (p.Tyr1529Cys).